The following is an entry in ClinVar:

NM_000489.6(ATRX):c.733C>G (p.Leu245Val)

Gene: ATRX (ATRX chromatin remodeler; minus strand). Cytogenetic location: Xq21.1.
Variant type: single nucleotide variant.
Coding change: c.733C>G on transcript NM_000489.6 (MANE Select); coding-DNA position 733, C replaced by G.
Protein change: p.Leu245Val; replaces leucine 245 with valine.
Molecular consequence: missense variant.
Genome position (GRCh38, 1-based): chrX:77,684,523, G>C on the plus strand (C>G on the coding strand, the complement: ATRX is on the minus strand). VCF-style: chrX-77684523-G-C. GRCh37 (hg19) VCF-style: chrX-76940015-G-C.
Other names: c.619C>G, p.Leu207Val (NM_138270.5); short protein forms L207V, L245V.
Identifiers: ClinVar variation 3253437 (VCV003253437.1), dbSNP rs2071444982.

ClinVar aggregate classification (germline): Uncertain significance (1 of 4 stars; one submission).

Submission:

GeneDx
Classification: Uncertain significance. Last evaluated: 2023-12-12. Review status: criteria provided, single submitter. Criteria: GeneDx Variant Classification Process June 2021. Collection method: clinical testing. Allele origin: germline. Affected: yes.
Comment: Has not been previously published as pathogenic or benign to our knowledge; Not observed at significant frequency in large population cohorts (gnomAD); In silico analysis supports that this missense variant does not alter protein structure/function; This variant is associated with the following publications: (PMID: 18409179)